The following is an entry in ClinVar:

ClinVar aggregate classification (germline): Uncertain significance (1 of 4 stars; one submission).

Conditions:
Retinoblastoma (RB1). Also called: RETINOBLASTOMA, SOMATIC. Identifiers: Orphanet 790, MedGen C0035335, MeSH D012175, MONDO:0008380, OMIM 180200, HP:0009919. Disease mechanism: loss of function. Inheritance: Both sporadic and heritable forms are tested..

Submission:

Labcorp Genetics (formerly Invitae), Labcorp
Classification: Uncertain significance for Retinoblastoma. Last evaluated: 2016-10-31. Review status: criteria provided, single submitter. Criteria: Invitae Variant Classification Sherloc (09022015). Collection method: clinical testing. Allele origin: germline.
Comment: In summary, this variant is a novel missense change with uncertain impact on protein function. It has been classified as a Variant of Uncertain Significance. This sequence change replaces valine with leucine at codon 742 of the RB1 protein (p.Val742Leu). The valine residue is highly conserved and there is a small physicochemical difference between valine and leucine. This variant is not present in population databases (ExAC no frequency) and has not been reported in the literature in individuals with a RB1-related disease. Algorithms developed to predict the effect of missense changes on protein structure and function (SIFT, PolyPhen-2, Align-GVGD) all suggest that this variant is likely to be disruptive, but these predictions have not been confirmed by published functional studies.

NM_000321.3(RB1):c.2224G>C (p.Val742Leu)

Gene: RB1 (RB transcriptional corepressor 1; plus strand). Cytogenetic location: 13q14.2.
Variant type: single nucleotide variant.
Coding change: c.2224G>C on transcript NM_000321.3 (MANE Select); coding-DNA position 2224, G replaced by C.
Protein change: p.Val742Leu; replaces valine 742 with leucine.
Molecular consequence: missense variant.
Genome position (GRCh38, 1-based): chr13:48,465,010, G>C. VCF-style: chr13-48465010-G-C. GRCh37 (hg19) VCF-style: chr13-49039146-G-C.
Other names: short protein forms V742L.
Identifiers: ClinVar variation 410934 (VCV000410934.8), dbSNP rs1060503083, ClinGen allele CA16614063.